The following is an entry in ClinVar:

ClinVar aggregate classification (germline): Likely benign. Review status: criteria provided, multiple submitters, no conflicts (2 of 4 stars). 3 submissions from 3 submitters: Likely benign (3). Last evaluated 2025-10-20.

Conditions:
MYO5B-related disorder. Also called: MYO5B-related condition.

Allele frequency attached by ClinVar (database versions not stated): ExAC 0.00002; gnomAD 0.00002; gnomAD exomes 0.00002; TOPMed 0.00002.
gnomAD v4.1: 41 of 1,614,110 alleles (0.0025%); highest among the groups gnomAD compares: Middle Eastern, 0.016%; no homozygotes.

Submissions (3):

PreventionGenetics, part of Exact Sciences
Classification: Likely benign for MYO5B-related condition. Last evaluated: 2025-10-20. Review status: criteria provided, single submitter. Criteria: ACMG Guidelines, 2015. Collection method: clinical testing. Allele origin: germline.
Comment: This variant is classified as likely benign based on ACMG/AMP sequence variant interpretation guidelines (Richards et al. 2015 PMID: 25741868, with internal and published modifications).

Labcorp Genetics (formerly Invitae), Labcorp
Classification: Likely benign. Last evaluated: 2025-03-11. Review status: criteria provided, single submitter. Criteria: Invitae Variant Classification Sherloc (09022015). Collection method: clinical testing. Allele origin: germline.

Blueprint Genetics
Classification: Likely benign. Last evaluated: 2023-07-14. Review status: criteria provided, single submitter. Criteria: ACMG Guidelines, 2015. Collection method: clinical testing. Allele origin: germline.

NM_001080467.3(MYO5B):c.4533C>T (p.His1511=)

Genes: SNHG22 (small nucleolar RNA host gene 22; plus strand), MYO5B (myosin VB; minus strand). Cytogenetic location: 18q21.1.
Variant type: single nucleotide variant.
Coding change: c.4533C>T on transcript NM_001080467.3 (MANE Select); coding-DNA position 4533, C replaced by T.
Protein change: p.His1511=; no amino-acid change (histidine 1511 retained).
Molecular consequence: synonymous variant.
Genome position (GRCh38, 1-based): chr18:49,843,319, G>A on the plus strand (C>T on the coding strand, the complement: MYO5B is on the minus strand). VCF-style: chr18-49843319-G-A. GRCh37 (hg19) VCF-style: chr18-47369689-G-A.
Other names: c.4533C>T (NM_001080467.2).
Identifiers: ClinVar variation 2968635 (VCV002968635.5), dbSNP rs771960515, ClinGen allele CA8960324.